The following is an entry in ClinVar:

NM_207122.2(EXT2):c.1363G>A (p.Gly455Arg)

Genes: EXT2 (exostosin glycosyltransferase 2; plus strand), LOC126861201 (MED14-independent group 3 enhancer GRCh37_chr11:44218806-44220005; plus strand). Cytogenetic location: 11p11.2.
Variant type: single nucleotide variant.
Coding change: c.1363G>A on transcript NM_207122.2 (MANE Select); coding-DNA position 1363, G replaced by A.
Protein change: p.Gly455Arg; replaces glycine 455 with arginine.
Molecular consequence: missense variant.
Genome position (GRCh38, 1-based): chr11:44,197,886, G>A. VCF-style: chr11-44197886-G-A. GRCh37 (hg19) VCF-style: chr11-44219436-G-A.
Other names: c.1462G>A, p.Gly488Arg (NM_000401.3); c.1393G>A, p.Gly465Arg (NM_001178083.3); c.1363G>A, p.Gly455Arg (NM_001389628.1, NM_001389630.1); short protein forms G465R, G455R, G488R.
Identifiers: ClinVar variation 2010310 (VCV002010310.4), dbSNP rs2135184956, ClinGen allele CA380179041.

ClinVar aggregate classification (germline): Uncertain significance (1 of 4 stars; one submission).

Conditions:
Exostoses, multiple, type 2 (EXT2). Also called: Hereditary Multiple Osteochondromatosis, Type II; EXOSTOSES, MULTIPLE, TYPE II. Identifiers: Orphanet 321, MedGen C1851413, MONDO:0007586, OMIM 133701.

Allele frequency attached by ClinVar (database versions not stated): gnomAD exomes below 0.00001.
gnomAD v4.1: 1 of 1,614,124 alleles (0.000062%); highest among the groups gnomAD compares: South Asian, 0.0011%; no homozygotes.

Submission:

Labcorp Genetics (formerly Invitae), Labcorp
Classification: Uncertain significance for Exostoses, multiple, type 2. Last evaluated: 2022-06-24. Review status: criteria provided, single submitter. Criteria: Invitae Variant Classification Sherloc (09022015). Collection method: clinical testing. Allele origin: germline.
Comment: This sequence change replaces glycine, which is neutral and non-polar, with arginine, which is basic and polar, at codon 455 of the EXT2 protein (p.Gly455Arg). In summary, the available evidence is currently insufficient to determine the role of this variant in disease. Therefore, it has been classified as a Variant of Uncertain Significance. Algorithms developed to predict the effect of missense changes on protein structure and function are either unavailable or do not agree on the potential impact of this missense change (SIFT: "Deleterious"; PolyPhen-2: "Probably Damaging"; Align-GVGD: "Class C15"). This variant has not been reported in the literature in individuals affected with EXT2-related conditions. This variant is not present in population databases (gnomAD no frequency).